The following is an entry in ClinVar:

NM_022552.5(DNMT3A):c.1786C>T (p.Arg596Trp)

Gene: DNMT3A (DNA methyltransferase 3 alpha; minus strand). Cytogenetic location: 2p23.3.
Variant type: single nucleotide variant.
Coding change: c.1786C>T on transcript NM_022552.5 (MANE Select); coding-DNA position 1786, C replaced by T.
Protein change: p.Arg596Trp; replaces arginine 596 with tryptophan.
Molecular consequence: missense variant. On other transcripts: non-coding transcript variant (1).
Genome position (GRCh38, 1-based): chr2:25,244,220, G>A on the plus strand (C>T on the coding strand, the complement: DNMT3A is on the minus strand). VCF-style: chr2-25244220-G-A. GRCh37 (hg19) VCF-style: chr2-25467089-G-A.
Other names: c.1330C>T, p.Arg444Trp (NM_001320893.1); c.1117C>T, p.Arg373Trp (NM_001375819.1); c.1219C>T, p.Arg407Trp (NM_153759.3); c.1786C>T, p.Arg596Trp (NM_175629.2); short protein forms R373W, R407W, R444W, R596W.
Identifiers: ClinVar variation 3348822 (VCV003348822.2).

ClinVar aggregate classification (germline): Uncertain significance (1 of 4 stars; one submission).

Conditions:
DNMT3A-related disorder. Also called: DNMT3A-related disorders; DNMT3A-related condition.

gnomAD v4.1: 9 of 1,613,894 alleles (0.00056%); highest among the groups gnomAD compares: African/African-American, 0.0013%; no homozygotes.

Submission:

PreventionGenetics, part of Exact Sciences
Classification: Uncertain significance for DNMT3A-related condition. Last evaluated: 2026-07-07. Review status: criteria provided, single submitter. Criteria: ACMG Guidelines, 2015. Collection method: clinical testing. Allele origin: germline.
Comment: The DNMT3A c.1786C>T variant is predicted to result in the amino acid substitution p.Arg596Trp. To our knowledge, this variant has not been reported in the germline of individuals with DNMT3A-associated disorders and is absent from a large population database (gnomAD), indicating that it is rare. Functional studies suggest that this variant impairs the normal methyltransferase activity of the DNMT3A protein (Supplementary Fig. 4,  Huang et al. 2022. PubMed ID: 34429321). At this time, the clinical significance of this variant is uncertain due to the absence of conclusive functional and genetic evidence.